The following is an entry in ClinVar:

NM_206933.4(USH2A):c.13404A>G (p.Arg4468=)

Gene: USH2A (usherin; minus strand). Cytogenetic location: 1q41.
Variant type: single nucleotide variant.
Coding change: c.13404A>G on transcript NM_206933.4 (MANE Select); coding-DNA position 13404, A replaced by G.
Protein change: p.Arg4468=; no amino-acid change (arginine 4468 retained).
Molecular consequence: synonymous variant.
Genome position (GRCh38, 1-based): chr1:215,674,507, T>C on the plus strand (A>G on the coding strand, the complement: USH2A is on the minus strand). VCF-style: chr1-215674507-T-C. GRCh37 (hg19) VCF-style: chr1-215847849-T-C.
Identifiers: ClinVar variation 48418 (VCV000048418.22), dbSNP rs146994147, ClinGen allele CA143318.

ClinVar aggregate classification (germline): Benign/Likely benign. Review status: criteria provided, multiple submitters, no conflicts (2 of 4 stars). 9 submissions from 8 submitters: Benign (5); Likely benign (3). 1 of the submissions does not count toward it. Last evaluated 2026-09-22.

Conditions:
USH2A-related disorder. Also called: USH2A-related disorders; USH2A-related condition. Identifiers: MedGen CN239332.
Retinitis pigmentosa 39 (RP39). Identifiers: Orphanet 791, MedGen C3151138, MONDO:0013436, OMIM 613809.
Usher syndrome type 2A. Also called: RETINAL DISEASE IN USHER SYNDROME TYPE IIA, MODIFIER OF; USHER SYNDROME, TYPE IIA. Identifiers: Orphanet 231178, Orphanet 886, MedGen C1848634, MONDO:0010169, OMIM 276901.

Allele frequency attached by ClinVar (database versions not stated): gnomAD exomes 0.00023 and 0.00048; ExAC 0.00064; gnomAD 0.00224 and 0.00245; ESP Exome Variant Server 0.00231; 1000 Genomes Project 0.00240; TOPMed 0.00240; 1000 Genomes Project 30x 0.00281.
gnomAD v4.1: 677 of 1,614,192 alleles (0.042%); highest among the groups gnomAD compares: African/African-American, 0.82%; 3 homozygotes.

Submissions (9):

PreventionGenetics, part of Exact Sciences
Classification: Benign for USH2A-related condition. Last evaluated: 2026-09-22. Review status: criteria provided, single submitter. Criteria: ACMG Guidelines, 2015. Collection method: clinical testing. Allele origin: germline.
Comment: This variant is classified as benign based on ACMG/AMP sequence variant interpretation guidelines (Richards et al. 2015 PMID: 25741868, with internal and published modifications).

Labcorp Genetics (formerly Invitae), Labcorp
Classification: Benign. Last evaluated: 2026-01-28. Review status: criteria provided, single submitter. Criteria: Invitae Variant Classification Sherloc (09022015). Collection method: clinical testing. Allele origin: germline.

Blueprint Genetics
Classification: Likely benign. Last evaluated: 2024-09-18. Review status: criteria provided, single submitter. Criteria: ACMG Guidelines, 2015. Collection method: clinical testing. Allele origin: germline.

Genome-Nilou Lab
Classification: Benign for Retinitis pigmentosa 39. Last evaluated: 2023-11-04. Review status: criteria provided, single submitter. Criteria: ACMG Guidelines, 2015. Collection method: clinical testing. Allele origin: germline. Affected: no.

Genome-Nilou Lab
Classification: Benign for Usher syndrome type 2A. Last evaluated: 2023-11-04. Review status: criteria provided, single submitter. Criteria: ACMG Guidelines, 2015. Collection method: clinical testing. Allele origin: germline. Affected: no.

Eurofins Ntd Llc (ga)
Classification: Likely benign. Last evaluated: 2018-07-10. Review status: criteria provided, single submitter. Criteria: EGL ClinVar v180209 classification definitions. Collection method: clinical testing. Allele origin: germline. Observed: 1 variant allele, 1 heterozygote.

GeneDx
Classification: Likely benign. Last evaluated: 2018-02-18. Review status: criteria provided, single submitter. Criteria: GeneDx Variant Classification (06012015). Collection method: clinical testing. Allele origin: germline. Affected: yes.
Comment: This variant is considered likely benign or benign based on one or more of the following criteria: it is a conservative change, it occurs at a poorly conserved position in the protein, it is predicted to be benign by multiple in silico algorithms, and/or has population frequency not consistent with disease.

Laboratory for Molecular Medicine, Mass General Brigham Personalized Medicine
Classification: Benign. Last evaluated: 2011-12-16. Review status: criteria provided, single submitter. Criteria: LMM Criteria. Collection method: clinical testing. Allele origin: germline. Observed: 2 variant alleles.
Comment: Arg4468Arg in exon 63 of USH2A: This variant is not expected to have clinical si gnificance because it has been identified in 0.6% (23/3738) of chromosomes from a broad African American population (dbSNP rs146994147).

Natera, Inc.
Classification: Likely benign for Usher syndrome type 2A. Last evaluated: 2019-12-14. Review status: no assertion criteria provided. Collection method: clinical testing. Allele origin: germline. Not counted in ClinVar's aggregate classification.